The following is an entry in ClinVar:

NM_014956.5(CEP164):c.4133T>C (p.Leu1378Pro)

Gene: CEP164 (centrosomal protein 164; plus strand). Cytogenetic location: 11q23.3.
Variant type: single nucleotide variant.
Coding change: c.4133T>C on transcript NM_014956.5 (MANE Select); coding-DNA position 4133, T replaced by C.
Protein change: p.Leu1378Pro; replaces leucine 1378 with proline.
Molecular consequence: missense variant.
Genome position (GRCh38, 1-based): chr11:117,410,864, T>C. VCF-style: chr11-117410864-T-C. GRCh37 (hg19) VCF-style: chr11-117281580-T-C.
Other names: c.4118T>C, p.Leu1373Pro (NM_001271933.2); c.4139T>C, p.Leu1380Pro (NM_001440949.1); c.4133T>C, p.Leu1378Pro (NM_001440950.1, NM_001440951.1); c.4124T>C, p.Leu1375Pro (NM_001440952.1); c.4109T>C, p.Leu1370Pro (NM_001440953.1); c.4055T>C, p.Leu1352Pro (NM_001440954.1, NM_001440955.1); c.4046T>C, p.Leu1349Pro (NM_001440956.1); c.4043T>C, p.Leu1348Pro (NM_001440957.1); and 21 more; short protein forms L1253P, L1295P, L1300P, L1317P, L1322P, L1324P, L1352P, L1373P.
Identifiers: ClinVar variation 4991415 (VCV004991415.1).
Genomic context (GRCh38, chr11:117,410,864, plus strand): 5'-AGTCCTGTCCCCATGCTCTTCCAGCTGGCATCCCGCTGCTCAGCAACAGCCCCACCCCGC[T>C]GGAGAGCAGGCTGGGTTACATGTCTGCCAGGTGAGCCTCCCTGGGGGCTGGTTGGGGTGG-3'
Protein context (NP_055771.4, residues 1368-1388): IPLLSNSPTP[Leu1378Pro]ESRLGYMSAS

ClinVar aggregate classification (germline): Uncertain significance (1 of 4 stars; one submission).

Conditions:
CEP164-related disorder. Also called: CEP164-related condition.

Submission:

PreventionGenetics, part of Exact Sciences
Classification: Uncertain significance for CEP164-related condition. Last evaluated: 2025-08-13. Review status: criteria provided, single submitter. Criteria: ACMG Guidelines, 2015. Collection method: clinical testing. Allele origin: germline.
Comment: The CEP164 c.4133T>C variant is predicted to result in the amino acid substitution p.Leu1378Pro. To our knowledge, this variant has not been reported in the literature or in a large population database (gnomAD), indicating this variant is rare. At this time, the clinical significance of this variant is uncertain due to the absence of conclusive functional and genetic evidence.